The following is an entry in ClinVar:

NM_000548.5(TSC2):c.667G>C (p.Asp223His)

Gene: TSC2 (TSC complex subunit 2; plus strand). Cytogenetic location: 16p13.3.
Variant type: single nucleotide variant.
Coding change: c.667G>C on transcript NM_000548.5 (MANE Select); coding-DNA position 667, G replaced by C.
Protein change: p.Asp223His; replaces aspartic acid 223 with histidine.
Molecular consequence: missense variant. On other transcripts: 5 prime UTR variant (10), non-coding transcript variant (5).
Genome position (GRCh38, 1-based): chr16:2,056,662, G>C. VCF-style: chr16-2056662-G-C. GRCh37 (hg19) VCF-style: chr16-2106663-G-C.
Other names: c.667G>C, p.Asp223His (NM_001077183.3, NM_001114382.3, NM_001363528.2 and 6 more transcripts); c.556G>C, p.Asp186His (NM_001318827.2, NM_001406670.1, NM_001406678.1); c.520G>C, p.Asp174His (NM_001318829.2, NM_001406675.1, NM_001406676.1 and 1 more transcripts); c.67G>C, p.Asp23His (NM_001318831.2, NM_001406680.1, NM_001406682.1 and 6 more transcripts); c.700G>C, p.Asp234His (NM_001318832.2); c.757G>C, p.Asp253His (NM_001406667.1, NM_001406668.1); c.655G>C, p.Asp219His (NM_001406671.1, NM_001406673.1); c.610G>C, p.Asp204His (NM_001406677.1); and 4 more; short protein forms D174H, D186H, D204H, D219H, D223H, D234H, D23H, D253H.
Identifiers: ClinVar variation 3069224 (VCV003069224.2), dbSNP rs45517121, ClinGen allele CA394312426.
Genomic context (GRCh38, chr16:2,056,662, plus strand): 5'-AGCTGGGGTAGGACGGGCGTGAGCCGTCTCCCTCTCCACCAGGTCTCCCTGCAGGTGCTG[G>C]ACGCCGTGGTCTGCTACAACTGCCTGCCGGCTGAGAGCCTCCCGCTGTTCATCGTTACCC-3'
Protein context (NP_000539.2, residues 213-233): VDIEVSLQVL[Asp223His]AVVCYNCLPA

ClinVar aggregate classification (germline): Uncertain significance. Review status: criteria provided, multiple submitters, no conflicts (2 of 4 stars). 2 submissions from 2 submitters: Uncertain significance (2). Last evaluated 2024-02-25.

Conditions:
Lymphangiomyomatosis (LAM). Also called: Lymphangioleiomyomatosis, somatic; Lymphangioleiomyomatosis. Identifiers: Orphanet 538, MedGen C0751674, MONDO:0011705, OMIM 606690.
Tuberous sclerosis 2 (TSC2). Identifiers: Orphanet 805, MedGen C1860707, MONDO:0013199, OMIM 613254.
Isolated focal cortical dysplasia type II (FCORD2). Also called: CORTICAL DYSPLASIA OF TAYLOR; Focal cortical dysplasia type II. Identifiers: Orphanet 268994, MedGen C1846385, MONDO:0011818, OMIM 607341, HP:0032051.
Tuberous sclerosis syndrome (TSC). Also called: Tuberous sclerosis; Tuberous Sclerosis Complex. Identifiers: Orphanet 805, MedGen C0041341, MONDO:0001734.

Submissions (2):

Fulgent Genetics
Classification: Uncertain significance for Lymphangiomyomatosis; Isolated focal cortical dysplasia type II; Tuberous sclerosis 2. Last evaluated: 2024-02-25. Review status: criteria provided, single submitter. Criteria: ACMG Guidelines, 2015. Collection method: clinical testing. Allele origin: germline.

All of Us Research Program, National Institutes of Health
Classification: Uncertain significance for Tuberous sclerosis syndrome. Last evaluated: 2023-08-15. Review status: criteria provided, single submitter. Criteria: ACMG Guidelines, 2015. Collection method: clinical testing. Allele origin: germline. Inheritance: Autosomal dominant inheritance. Observed: 1 variant allele, 1 heterozygote.
Comment: This missense variant replaces aspartic acid with histidine at codon 223 of the TSC2 protein. Computational prediction suggests that this variant may have deleterious impact on protein structure and function (internally defined REVEL score threshold >= 0.7, PMID: 27666373). To our knowledge, functional studies have not been reported for this variant. This variant has not been reported in individuals affected with tuberous sclerosis complex in the literature. This variant has not been identified in the general population by the Genome Aggregation Database (gnomAD). The available evidence is insufficient to determine the role of this variant in disease conclusively. Therefore, this variant is classified as a Variant of Uncertain Significance.

This study involves interpretation of variants in research participants for the purpose of population health screening. Participant phenotype was not available at the time of variant classification. Additional details can be found in publication PMID: 35346344, PMCID: PMC8962531